The following is an entry in ClinVar:

ClinVar aggregate classification (germline): Uncertain significance. Review status: criteria provided, multiple submitters, no conflicts (2 of 4 stars). 2 submissions from 2 submitters: Uncertain significance (2). Last evaluated 2024-01-05.

Conditions:
Hereditary cancer-predisposing syndrome. Also called: Hereditary neoplastic syndrome; Neoplastic Syndromes, Hereditary; Tumor predisposition; Hereditary Cancer Syndrome. Identifiers: Orphanet 140162, MedGen C0027672, MeSH D009386, MONDO:0015356.
Familial meningioma. Also called: Meningioma, familial, susceptibility to. Identifiers: Orphanet 263662, MedGen C3551915, MONDO:0011789, OMIM 607174.

Allele frequency attached by ClinVar (database versions not stated): TOPMed 0.00001.

Submissions (2):

Ambry Genetics
Classification: Uncertain significance for Hereditary cancer-predisposing syndrome. Last evaluated: 2024-01-05. Review status: criteria provided, single submitter. Criteria: Ambry Variant Classification Scheme 2023. Collection method: clinical testing. Allele origin: germline.
Comment: The p.A141T variant (also known as c.421G>A), located in coding exon 6 of the SMARCE1 gene, results from a G to A substitution at nucleotide position 421. The alanine at codon 141 is replaced by threonine, an amino acid with similar properties. This variant has been detected in multiple individuals with no reported features of Coffin-Siris syndrome (Ambry internal data). This amino acid position is highly conserved in available vertebrate species. In addition, the in silico prediction for this alteration is inconclusive. Missense and in-frame variants in SMARCE1 are known to cause neurodevelopmental disorders; however, such associations with increased risk of meningiomas are exceedingly rare (Kosho T et al. Am J Med Genet C Semin Med Genet. 2014 Sep;166C(3):262-75; Smith JM et al. Nat Genet. 2013 Mar;45(3):295-8). Based on the supporting evidence, the association of this alteration with an increased risk of meningiomas is unknown; however, the association of this alteration with Coffin-Siris syndrome is unlikely.

Labcorp Genetics (formerly Invitae), Labcorp
Classification: Uncertain significance for Familial meningioma. Last evaluated: 2023-04-26. Review status: criteria provided, single submitter. Criteria: Invitae Variant Classification Sherloc (09022015). Collection method: clinical testing. Allele origin: germline.
Comment: This sequence change replaces alanine, which is neutral and non-polar, with threonine, which is neutral and polar, at codon 141 of the SMARCE1 protein (p.Ala141Thr). This variant is not present in population databases (gnomAD no frequency). This variant has not been reported in the literature in individuals affected with SMARCE1-related conditions. ClinVar contains an entry for this variant (Variation ID: 1035245). Advanced modeling of protein sequence and biophysical properties (such as structural, functional, and spatial information, amino acid conservation, physicochemical variation, residue mobility, and thermodynamic stability) performed at Invitae indicates that this missense variant is expected to disrupt SMARCE1 protein function. In summary, the available evidence is currently insufficient to determine the role of this variant in disease. Therefore, it has been classified as a Variant of Uncertain Significance.

NM_003079.5(SMARCE1):c.421G>A (p.Ala141Thr)

Gene: SMARCE1 (SWI/SNF related BAF chromatin remodeling complex subunit E1; minus strand). Cytogenetic location: 17q21.2.
Variant type: single nucleotide variant.
Coding change: c.421G>A on transcript NM_003079.5 (MANE Select); coding-DNA position 421, G replaced by A.
Protein change: p.Ala141Thr; replaces alanine 141 with threonine.
Molecular consequence: missense variant.
Genome position (GRCh38, 1-based): chr17:40,636,051, C>T on the plus strand (G>A on the coding strand, the complement: SMARCE1 is on the minus strand). VCF-style: chr17-40636051-C-T. GRCh37 (hg19) VCF-style: chr17-38792303-C-T.
Other names: short protein forms A141T.
Identifiers: ClinVar variation 1035245 (VCV001035245.11), dbSNP rs2037143160, ClinGen allele CA399366618.